The following is an entry in ClinVar:

NC_000021.8:g.(?_34620994)_(34621179_?)del

Gene: IFNAR2 (interferon alpha and beta receptor subunit 2; plus strand). Cytogenetic location: 21q22.11.
Variant type: Deletion.
Identifiers: ClinVar variation 3248218 (VCV003248218.1).

ClinVar aggregate classification (germline): Pathogenic (1 of 4 stars; one submission).

Submission:

Labcorp Genetics (formerly Invitae), Labcorp
Classification: Pathogenic. Last evaluated: 2023-05-22. Review status: criteria provided, single submitter. Criteria: Invitae Variant Classification Sherloc (09022015). Collection method: clinical testing. Allele origin: unknown.
Comment: This variant is a gross deletion of the genomic region encompassing exon(s) 6 of the IFNAR2 gene. This deletion is out-of-frame, and is expected to create a premature termination codon and result in an absent or disrupted protein product. Loss-of-function variants in IFNAR2 are known to be pathogenic (PMID: 26424569, 33193576). This variant has not been reported in the literature in individuals affected with IFNAR2-related conditions. For these reasons, this variant has been classified as Pathogenic.

Literature cited by the submitters: PubMed 26424569; PubMed 33193576.